The following is an entry in ClinVar:

NM_020247.5(COQ8A):c.1276C>G (p.Pro426Ala)

Gene: COQ8A (coenzyme Q8A; plus strand). Cytogenetic location: 1q42.13.
Variant type: single nucleotide variant.
Coding change: c.1276C>G on transcript NM_020247.5 (MANE Select); coding-DNA position 1276, C replaced by G.
Protein change: p.Pro426Ala; replaces proline 426 with alanine.
Molecular consequence: missense variant.
Genome position (GRCh38, 1-based): chr1:226,984,113, C>G. VCF-style: chr1-226984113-C-G. GRCh37 (hg19) VCF-style: chr1-227171814-C-G.
Other names: short protein forms P426A.
Identifiers: ClinVar variation 1478175 (VCV001478175.5), dbSNP rs1004253103, ClinGen allele CA345055015.

ClinVar aggregate classification (germline): Uncertain significance (1 of 4 stars; one submission).

gnomAD v4.1: 3 of 1,613,688 alleles (0.00019%); highest among the groups gnomAD compares: African/African-American, 0.0027%; no homozygotes.

Submission:

Labcorp Genetics (formerly Invitae), Labcorp
Classification: Uncertain significance. Last evaluated: 2022-09-07. Review status: criteria provided, single submitter. Criteria: Invitae Variant Classification Sherloc (09022015). Collection method: clinical testing. Allele origin: germline.
Comment: This sequence change replaces proline, which is neutral and non-polar, with alanine, which is neutral and non-polar, at codon 426 of the COQ8A protein (p.Pro426Ala). This variant is not present in population databases (gnomAD no frequency). This variant has not been reported in the literature in individuals affected with COQ8A-related conditions. ClinVar contains an entry for this variant (Variation ID: 1478175). Advanced modeling of protein sequence and biophysical properties (such as structural, functional, and spatial information, amino acid conservation, physicochemical variation, residue mobility, and thermodynamic stability) performed at Invitae indicates that this missense variant is not expected to disrupt COQ8A protein function. Algorithms developed to predict the effect of sequence changes on RNA splicing suggest that this variant may disrupt the consensus splice site. In summary, the available evidence is currently insufficient to determine the role of this variant in disease. Therefore, it has been classified as a Variant of Uncertain Significance.